The following is an entry in ClinVar:

NM_001101362.3(KBTBD13):c.1020G>C (p.Gln340His)

Gene: KBTBD13 (kelch repeat and BTB domain containing 13; plus strand). Cytogenetic location: 15q22.31.
Variant type: single nucleotide variant.
Coding change: c.1020G>C on transcript NM_001101362.3 (MANE Select); coding-DNA position 1020, G replaced by C.
Protein change: p.Gln340His; replaces glutamine 340 with histidine.
Molecular consequence: missense variant.
Genome position (GRCh38, 1-based): chr15:65,077,835, G>C. VCF-style: chr15-65077835-G-C. GRCh37 (hg19) VCF-style: chr15-65370173-G-C.
Other names: short protein forms Q340H.
Identifiers: ClinVar variation 2117287 (VCV002117287.4), dbSNP rs2506311620, ClinGen allele CA392865086.
Genomic context (GRCh38, chr15:65,077,835, plus strand): 5'-GGTGGAGTACGCAGTGCGGACCGACGCGTGGCTGCCAGTGGCCGAGCTGCGGCGTCCGCA[G>C]AGCTATGGCCACTGCATGGTGGCCCACCGCGACAGCCTCTATGTGGTGCGCAACGGACCT-3'
Protein context (NP_001094832.1, residues 330-350): WLPVAELRRP[Gln340His]SYGHCMVAHR

ClinVar aggregate classification (germline): Uncertain significance (1 of 4 stars; one submission).

Conditions:
Nemaline myopathy 6 (NEM6). Also called: Nemaline myopathy 6, autosomal dominant. Identifiers: Orphanet 171439, MedGen C1836472, MONDO:0012237, OMIM 609273.

Submission:

Labcorp Genetics (formerly Invitae), Labcorp
Classification: Uncertain significance for Nemaline myopathy 6. Last evaluated: 2025-03-16. Review status: criteria provided, single submitter. Criteria: Invitae Variant Classification Sherloc (09022015). Collection method: clinical testing. Allele origin: germline.
Comment: This sequence change replaces glutamine, which is neutral and polar, with histidine, which is basic and polar, at codon 340 of the KBTBD13 protein (p.Gln340His). This variant is not present in population databases (gnomAD no frequency). This variant has not been reported in the literature in individuals affected with KBTBD13-related conditions. ClinVar contains an entry for this variant (Variation ID: 2117287). Invitae Evidence Modeling of protein sequence and biophysical properties (such as structural, functional, and spatial information, amino acid conservation, physicochemical variation, residue mobility, and thermodynamic stability) indicates that this missense variant is not expected to disrupt KBTBD13 protein function with a negative predictive value of 80%. In summary, the available evidence is currently insufficient to determine the role of this variant in disease. Therefore, it has been classified as a Variant of Uncertain Significance.